The following is an entry in ClinVar:

NM_181861.2(APAF1):c.951_953del (p.Cys317_Lys318delinsTer)

Gene: APAF1 (apoptotic peptidase activating factor 1; plus strand). Cytogenetic location: 12q23.1.
Variant type: Deletion.
Coding change: c.951_953del on transcript NM_181861.2 (MANE Select); coding-DNA positions 951 to 953, 3 bases deleted (TAA; older notation c.951_953delTAA).
Protein change: p.Cys317_Lys318delinsTer.
Molecular consequence: nonsense.
Genome position (GRCh38, 1-based): chr12:98,662,802-98,662,804, TAA deleted. VCF-style (leftmost placement, unchanged base first): chr12-98662801-GTAA-G. GRCh37 (hg19) VCF-style: chr12-99056579-GTAA-G.
Other names: c.918_920del, p.Cys306_Lys307delinsTer (NM_001160.3, NM_013229.3); c.951_953del, p.Cys317_Lys318delinsTer (NM_181868.2, NM_181869.2).
Identifiers: ClinVar variation 4854825 (VCV004854825.1).
Genomic context (GRCh38, chr12:98,662,801, plus strand): 5'-TTTTTGTTAATATGAAGAAGGCAGATTTGCCAGAACAAGCTCATAGTATTATAAAAGAAT[GTAA>G]AGGTATGGTTATTTATTTGTTTATGAGGAGATTATAGGGAGTTATATAATTTCCCTTTTG-3'

ClinVar aggregate classification (germline): Uncertain significance (1 of 4 stars; one submission).

Conditions:
APAF1-related disorder. Also called: APAF1-related condition.

Submission:

3billion
Classification: Uncertain significance for APAF1-related disorder. Last evaluated: 2025-12-02. Review status: criteria provided, single submitter. Criteria: ACMG Guidelines, 2015. Collection method: clinical testing. Allele origin: germline. Affected: yes.
Comment: The variant is not observed in the gnomAD v4.1.0 dataset. Predicted Consequence/Location: Inframe deletion located in a nonrepeat region: predicted to change the length of the protein and disrupt normal protein function. In silico tools do not predict the variant to alter splicing and produce an abnormal transcript [SpliceAI: 0.01 (<=0.1, moderate evidence for non-spliceogenicity)]. Therefore, this variant is classified as VUS according to the recommendation of ACMG/AMP guideline.